The following is an entry in ClinVar:

NM_001376.5(DYNC1H1):c.5467A>G (p.Arg1823Gly)

Gene: DYNC1H1 (dynein cytoplasmic 1 heavy chain 1; plus strand). Cytogenetic location: 14q32.31.
Variant type: single nucleotide variant.
Coding change: c.5467A>G on transcript NM_001376.5 (MANE Select); coding-DNA position 5467, A replaced by G.
Protein change: p.Arg1823Gly; replaces arginine 1823 with glycine.
Molecular consequence: missense variant.
Genome position (GRCh38, 1-based): chr14:102,005,921, A>G. VCF-style: chr14-102005921-A-G. GRCh37 (hg19) VCF-style: chr14-102472258-A-G.
Other names: short protein forms R1823G.
Identifiers: ClinVar variation 3344914 (VCV003344914.1).
Genomic context (GRCh38, chr14:102,005,921, plus strand): 5'-ACTTTTAAAGTGACTCTCTTTCTTCAGATTACAGAGTTGGTTCACCAGAGAGATGTTACA[A>G]GGTCCTTGATCAAAAGCAAGATTGACAACGCCAAATCTTTTGAATGGCTCAGCCAGATGC-3'
Protein context (NP_001367.2, residues 1813-1833): TELVHQRDVT[Arg1823Gly]SLIKSKIDNA

ClinVar aggregate classification (germline): Uncertain significance (0 of 4 stars; one submission).

Conditions:
DYNC1H1-related disorder. Also called: DYNC1H1-related condition; DYNC1H1-related disorders. Identifiers: MedGen CN381529.

Submission:

PreventionGenetics, part of Exact Sciences
Classification: Uncertain significance for DYNC1H1-related condition. Last evaluated: 2024-07-01. Review status: no assertion criteria provided. Collection method: clinical testing. Allele origin: germline.
Comment: The DYNC1H1 c.5467A>G variant is predicted to result in the amino acid substitution p.Arg1823Gly. To our knowledge, this variant has not been reported in the literature or in a large population database, indicating this variant is rare. At this time, the clinical significance of this variant is uncertain due to the absence of conclusive functional and genetic evidence.